The following is an entry in ClinVar:

ClinVar aggregate classification (germline): Benign. Review status: criteria provided, multiple submitters, no conflicts (2 of 4 stars). 2 submissions from 2 submitters: Benign (2). Last evaluated 2018-06-14.

Allele frequency attached by ClinVar (database versions not stated): 1000 Genomes Project 0.33606; 1000 Genomes Project 30x 0.34135; gnomAD exomes 0.39144; gnomAD 0.41704 and 0.42622; TOPMed 0.42415.
gnomAD v4.1: 609,333 of 1,547,664 alleles (39%); highest among the groups gnomAD compares: African/African-American, 56%; 125,517 homozygotes.

Submissions (2):

GeneDx
Classification: Benign. Last evaluated: 2018-06-14. Review status: criteria provided, single submitter. Criteria: GeneDx Variant Classification (06012015). Collection method: clinical testing. Allele origin: germline. Affected: yes.
Comment: This variant is considered likely benign or benign based on one or more of the following criteria: it is a conservative change, it occurs at a poorly conserved position in the protein, it is predicted to be benign by multiple in silico algorithms, and/or has population frequency not consistent with disease.

Breakthrough Genomics
Classification: Benign. Review status: criteria provided, single submitter. Criteria: ACMG Guidelines, 2015. Collection method: not provided. Allele origin: germline. Inheritance: Autosomal recessive inheritance. Affected: yes.

NM_024809.5(TCTN2):c.565-60T>C

Gene: TCTN2 (tectonic family member 2; plus strand). Cytogenetic location: 12q24.31.
Variant type: single nucleotide variant.
Coding change: c.565-60T>C on transcript NM_024809.5 (MANE Select); 60 bases into the intron before coding-DNA position 565, T replaced by C.
Molecular consequence: intron variant.
Genome position (GRCh38, 1-based): chr12:123,686,776, T>C. VCF-style: chr12-123686776-T-C. GRCh37 (hg19) VCF-style: chr12-124171323-T-C.
Other names: c.562-60T>C (NM_001143850.3).
Identifiers: ClinVar variation 675011 (VCV000675011.2), dbSNP rs7297576, ClinGen allele CA13605554.